The following is an entry in ClinVar:

ClinVar aggregate classification (germline): Uncertain significance (1 of 4 stars; one submission).

Conditions:
Acromesomelic dysplasia 1, Maroteaux type (AMD1). Also called: ST. HELENA DYSPLASIA; ACROMESOMELIC DYSPLASIA 1. Identifiers: Orphanet 40, MedGen C1864356, MONDO:0011275, OMIM 602875.
Tall stature-scoliosis-macrodactyly of the great toes syndrome. Also called: Epiphyseal chondrodysplasia, miura type. Identifiers: Orphanet 329191, MedGen C4014690, MONDO:0014401, OMIM 615923.

Submission:

Labcorp Genetics (formerly Invitae), Labcorp
Classification: Uncertain significance for Tall stature-scoliosis-macrodactyly of the great toes syndrome; Acromesomelic dysplasia 1, Maroteaux type. Last evaluated: 2023-08-07. Review status: criteria provided, single submitter. Criteria: Invitae Variant Classification Sherloc (09022015). Collection method: clinical testing. Allele origin: germline.
Comment: In summary, the available evidence is currently insufficient to determine the role of this variant in disease. Therefore, it has been classified as a Variant of Uncertain Significance. This sequence change replaces glycine, which is neutral and non-polar, with glutamic acid, which is acidic and polar, at codon 430 of the NPR2 protein (p.Gly430Glu). This variant is not present in population databases (gnomAD no frequency). This variant has not been reported in the literature in individuals affected with NPR2-related conditions. Advanced modeling of protein sequence and biophysical properties (such as structural, functional, and spatial information, amino acid conservation, physicochemical variation, residue mobility, and thermodynamic stability) performed at Invitae indicates that this missense variant is not expected to disrupt NPR2 protein function.

NM_003995.4(NPR2):c.1289G>A (p.Gly430Glu)

Gene: NPR2 (natriuretic peptide receptor 2; plus strand). Cytogenetic location: 9p13.3.
Variant type: single nucleotide variant.
Coding change: c.1289G>A on transcript NM_003995.4 (MANE Select); coding-DNA position 1289, G replaced by A.
Protein change: p.Gly430Glu; replaces glycine 430 with glutamic acid.
Molecular consequence: missense variant.
Genome position (GRCh38, 1-based): chr9:35,800,779, G>A. VCF-style: chr9-35800779-G-A. GRCh37 (hg19) VCF-style: chr9-35800776-G-A.
Other names: c.1289G>A, p.Gly430Glu (NM_001378923.1); short protein forms G430E.
Identifiers: ClinVar variation 2950785 (VCV002950785.3), dbSNP rs2491046170, ClinGen allele CA373371150.